The following is an entry in ClinVar:

ClinVar aggregate classification (germline): Uncertain significance. Review status: criteria provided, multiple submitters, no conflicts (2 of 4 stars). 3 submissions from 3 submitters: Uncertain significance (3). Last evaluated 2026-09-25.

Conditions:
MYO5B-related disorder. Also called: MYO5B-related condition.
Inborn genetic diseases. Identifiers: MedGen C0950123, MeSH D030342.

gnomAD v4.1: 46 of 1,613,992 alleles (0.0029%); highest among the groups gnomAD compares: African/African-American, 0.047%; no homozygotes.

Submissions (3):

PreventionGenetics, part of Exact Sciences
Classification: Uncertain significance for MYO5B-related condition. Last evaluated: 2026-09-25. Review status: criteria provided, single submitter. Criteria: ACMG Guidelines, 2015. Collection method: clinical testing. Allele origin: germline.
Comment: The MYO5B c.1563C>A variant is predicted to result in the amino acid substitution p.Asp521Glu. To our knowledge, this variant has not been reported in the literature. This variant is reported in 0.037% of alleles in individuals of African descent in gnomAD. At this time, the clinical significance of this variant is uncertain due to the absence of conclusive functional and genetic evidence.

Ambry Genetics
Classification: Uncertain significance for Inborn genetic diseases. Last evaluated: 2025-08-31. Review status: criteria provided, single submitter. Criteria: Ambry Variant Classification Scheme 2023. Collection method: clinical testing. Allele origin: germline.

Labcorp Genetics (formerly Invitae), Labcorp
Classification: Uncertain significance. Last evaluated: 2024-09-26. Review status: criteria provided, single submitter. Criteria: Invitae Variant Classification Sherloc (09022015). Collection method: clinical testing. Allele origin: germline.
Comment: This sequence change replaces aspartic acid, which is acidic and polar, with glutamic acid, which is acidic and polar, at codon 521 of the MYO5B protein (p.Asp521Glu). This variant is present in population databases (rs371936078, gnomAD 0.04%). This variant has not been reported in the literature in individuals affected with MYO5B-related conditions. Invitae Evidence Modeling of protein sequence and biophysical properties (such as structural, functional, and spatial information, amino acid conservation, physicochemical variation, residue mobility, and thermodynamic stability) indicates that this missense variant is not expected to disrupt MYO5B protein function with a negative predictive value of 80%. In summary, the available evidence is currently insufficient to determine the role of this variant in disease. Therefore, it has been classified as a Variant of Uncertain Significance.

NM_001080467.3(MYO5B):c.1563C>A (p.Asp521Glu)

Gene: MYO5B (myosin VB; minus strand). Cytogenetic location: 18q21.1.
Variant type: single nucleotide variant.
Coding change: c.1563C>A on transcript NM_001080467.3 (MANE Select); coding-DNA position 1563, C replaced by A.
Protein change: p.Asp521Glu; replaces aspartic acid 521 with glutamic acid.
Molecular consequence: missense variant.
Genome position (GRCh38, 1-based): chr18:49,954,418, G>T on the plus strand (C>A on the coding strand, the complement: MYO5B is on the minus strand). VCF-style: chr18-49954418-G-T. GRCh37 (hg19) VCF-style: chr18-47480788-G-T.
Other names: c.1563C>A (NM_001080467.2); short protein forms D521E.
Identifiers: ClinVar variation 3642918 (VCV003642918.3).